The following is an entry in ClinVar:

NM_001277115.2(DNAH11):c.6680G>A (p.Gly2227Asp)

Gene: DNAH11 (dynein axonemal heavy chain 11; plus strand). Cytogenetic location: 7p15.3.
Variant type: single nucleotide variant.
Coding change: c.6680G>A on transcript NM_001277115.2 (MANE Select); coding-DNA position 6680, G replaced by A.
Protein change: p.Gly2227Asp; replaces glycine 2227 with aspartic acid.
Molecular consequence: missense variant.
Genome position (GRCh38, 1-based): chr7:21,707,832, G>A. VCF-style: chr7-21707832-G-A. GRCh37 (hg19) VCF-style: chr7-21747450-G-A.
Other names: short protein forms G2227D.
Identifiers: ClinVar variation 3718054 (VCV003718054.2).

ClinVar aggregate classification (germline): Uncertain significance (1 of 4 stars; one submission).

Conditions:
Primary ciliary dyskinesia. Also called: Ciliary dyskinesia. Identifiers: Orphanet 244, MedGen C0008780, MONDO:0016575, HP:0012265.

gnomAD v4.1: 3 of 1,594,012 alleles (0.00019%); highest among the groups gnomAD compares: Admixed American, 0.0036%; no homozygotes.

Submission:

Labcorp Genetics (formerly Invitae), Labcorp
Classification: Uncertain significance for Primary ciliary dyskinesia. Last evaluated: 2024-12-26. Review status: criteria provided, single submitter. Criteria: Invitae Variant Classification Sherloc (09022015). Collection method: clinical testing. Allele origin: germline.
Comment: This sequence change replaces glycine, which is neutral and non-polar, with aspartic acid, which is acidic and polar, at codon 2227 of the DNAH11 protein (p.Gly2227Asp). This variant is not present in population databases (gnomAD no frequency). This missense change has been observed in individual(s) with clinical features of primary ciliary dyskinesia (internal data). Invitae Evidence Modeling of protein sequence and biophysical properties (such as structural, functional, and spatial information, amino acid conservation, physicochemical variation, residue mobility, and thermodynamic stability) has been performed for this missense variant. However, the output from this modeling did not meet the statistical confidence thresholds required to predict the impact of this variant on DNAH11 protein function. In summary, the available evidence is currently insufficient to determine the role of this variant in disease. Therefore, it has been classified as a Variant of Uncertain Significance.